The following is an entry in ClinVar:

ClinVar aggregate classification (germline): Pathogenic (1 of 4 stars; one submission).

Submission:

GeneDx
Classification: Pathogenic. Last evaluated: 2024-07-10. Review status: criteria provided, single submitter. Criteria: GeneDx Variant Classification Process June 2021. Collection method: clinical testing. Allele origin: germline. Affected: yes.
Comment: Nonsense variant predicted to result in protein truncation or nonsense mediated decay in a gene for which loss of function is a known mechanism of disease; Not observed at significant frequency in large population cohorts (gnomAD); Has not been previously published as pathogenic or benign to our knowledge

NM_001165963.4(SCN1A):c.4074G>A (p.Trp1358Ter)

Genes: SCN1A (sodium voltage-gated channel alpha subunit 1; minus strand), LOC102724058 (uncharacterized LOC102724058; plus strand). Cytogenetic location: 2q24.3.
Variant type: single nucleotide variant.
Coding change: c.4074G>A on transcript NM_001165963.4 (MANE Select); coding-DNA position 4074, G replaced by A.
Protein change: p.Trp1358Ter; replaces tryptophan 1358 with a stop codon.
Molecular consequence: nonsense. On other transcripts: non-coding transcript variant (1).
Genome position (GRCh38, 1-based): chr2:166,002,682, C>T on the plus strand (G>A on the coding strand, the complement: SCN1A is on the minus strand). VCF-style: chr2-166002682-C-T. GRCh37 (hg19) VCF-style: chr2-166859192-C-T.
Other names: c.3990G>A, p.Trp1330Ter (NM_001165964.3, NM_001353957.2, NM_001353958.2); c.4074G>A, p.Trp1358Ter (NM_001202435.3, NM_001353948.2); c.4041G>A, p.Trp1347Ter (NM_001353949.2, NM_001353950.2, NM_001353951.2 and 2 more transcripts); c.4038G>A, p.Trp1346Ter (NM_001353954.2, NM_001353955.2); c.3987G>A, p.Trp1329Ter (NM_001353960.2); c.1632G>A, p.Trp544Ter (NM_001353961.2); short protein forms W1346*, W544*, W1330*, W1347*, W1358*, W1329*.
Identifiers: ClinVar variation 3572480 (VCV003572480.1).